The following is an entry in ClinVar:

ClinVar aggregate classification (germline): Pathogenic (1 of 4 stars; one submission).

Conditions:
Cohen syndrome (COH1). Also called: PEPPER SYNDROME; Cutis verticis gyrata, retinitis pigmentosa, and sensorineural deafness. Identifiers: Orphanet 193, MedGen C0265223, MONDO:0008999, OMIM 216550.

Submission:

Myriad Genetics, Inc.
Classification: Pathogenic for Cohen syndrome. Last evaluated: 2025-03-23. Review status: criteria provided, single submitter. Criteria: Myriad Autosomal Dominant, Autosomal Recessive and X-Linked Classification Criteria (2023). Collection method: clinical testing. Allele origin: unknown.
Comment: NM_017890.4(VPS13B):c.8840G>A(W2947*) is expected to be pathogenic in the context of Cohen syndrome. This variant is predicted to lead to an abnormal or absent protein product due to the creation of a premature termination codon in VPS13B, a gene where loss-of-function variants are known to be pathogenic. Please note: this variant was assessed in the context of healthy population screening.

NM_152564.5(VPS13B):c.8765G>A (p.Trp2922Ter)

Gene: VPS13B (vacuolar protein sorting 13 homolog B; plus strand). Cytogenetic location: 8q22.2.
Variant type: single nucleotide variant.
Coding change: c.8765G>A on transcript NM_152564.5 (MANE Select); coding-DNA position 8765, G replaced by A.
Protein change: p.Trp2922Ter; replaces tryptophan 2922 with a stop codon.
Molecular consequence: nonsense.
Genome position (GRCh38, 1-based): chr8:99,819,555, G>A. VCF-style: chr8-99819555-G-A. GRCh37 (hg19) VCF-style: chr8-100831783-G-A.
Other names: c.8840G>A, p.Trp2947Ter (NM_017890.5); short protein forms W2922*, W2947*.
Identifiers: ClinVar variation 5014251 (VCV005014251.1).